The following is an entry in ClinVar:

NM_018026.4(PACS1):c.472G>A (p.Glu158Lys)

Gene: PACS1 (phosphofurin acidic cluster sorting protein 1; plus strand). Cytogenetic location: 11q13.2.
Variant type: single nucleotide variant.
Coding change: c.472G>A on transcript NM_018026.4 (MANE Select); coding-DNA position 472, G replaced by A.
Protein change: p.Glu158Lys; replaces glutamic acid 158 with lysine.
Molecular consequence: missense variant.
Genome position (GRCh38, 1-based): chr11:66,210,389, G>A. VCF-style: chr11-66210389-G-A. GRCh37 (hg19) VCF-style: chr11-65977860-G-A.
Other names: short protein forms E158K.
Identifiers: ClinVar variation 1315083 (VCV001315083.7), dbSNP rs745939017, ClinGen allele CA6116264.
Genomic context (GRCh38, chr11:66,210,389, plus strand): 5'-CCTGGCCAAACAGACTTTTCTTCTTGGTTTCAGGGTTCAAAAAGAATTCTTCGCTCCAAC[G>A]AGATCGTCCTTCCAGCTAGTGGACTGGTGGAAACAGAGCTCCAATTAACCTTCTCCCTTC-3'
Protein context (NP_060496.2, residues 148-168): QGSKRILRSN[Glu158Lys]IVLPASGLVE

ClinVar aggregate classification (germline): Uncertain significance. Review status: criteria provided, multiple submitters, no conflicts (2 of 4 stars). 2 submissions from 2 submitters: Uncertain significance (2). Last evaluated 2022-09-14.

Conditions:
Schuurs-Hoeijmakers syndrome. Also called: PACS1-Related Neurodevelopmental Disorder. Identifiers: Orphanet 329224, MedGen C3554343, MONDO:0014006, OMIM 615009.

Allele frequency attached by ClinVar (database versions not stated): ExAC 0.00001; gnomAD exomes below 0.00001.
gnomAD v4.1: 2 of 1,613,980 alleles (0.00012%); highest among the groups gnomAD compares: Non-Finnish European, 0.00017%; no homozygotes.

Submissions (2):

Labcorp Genetics (formerly Invitae), Labcorp
Classification: Uncertain significance for Schuurs-Hoeijmakers syndrome. Last evaluated: 2022-09-14. Review status: criteria provided, single submitter. Criteria: Invitae Variant Classification Sherloc (09022015). Collection method: clinical testing. Allele origin: germline.
Comment: This sequence change replaces glutamic acid, which is acidic and polar, with lysine, which is basic and polar, at codon 158 of the PACS1 protein (p.Glu158Lys). This variant is present in population databases (rs745939017, gnomAD 0.0009%). This variant has not been reported in the literature in individuals affected with PACS1-related conditions. ClinVar contains an entry for this variant (Variation ID: 1315083). Advanced modeling of protein sequence and biophysical properties (such as structural, functional, and spatial information, amino acid conservation, physicochemical variation, residue mobility, and thermodynamic stability) performed at Invitae indicates that this missense variant is not expected to disrupt PACS1 protein function. In summary, the available evidence is currently insufficient to determine the role of this variant in disease. Therefore, it has been classified as a Variant of Uncertain Significance.

GeneDx
Classification: Uncertain significance. Last evaluated: 2020-01-29. Review status: criteria provided, single submitter. Criteria: GeneDx Variant Classification Process June 2021. Collection method: clinical testing. Allele origin: germline. Affected: yes.
Comment: In silico analysis, which includes protein predictors and evolutionary conservation, supports a deleterious effect; Has not been previously published as pathogenic or benign to our knowledge